The following is an entry in ClinVar:

ClinVar aggregate classification (germline): Conflicting classifications of pathogenicity. Review status: criteria provided, conflicting classifications (1 of 4 stars). 3 submissions from 3 submitters: Pathogenic (1); Likely pathogenic (1); Uncertain significance (1). Last evaluated 2024-12-03.

Conditions:
Upshaw-Schulman syndrome (TTP). Also called: THROMBOTIC THROMBOCYTOPENIC PURPURA, HEREDITARY; Congenital thrombotic thrombocytopenic purpura. Identifiers: Orphanet 93583, MedGen C1268935, MONDO:0010122, OMIM 274150.

Allele frequency attached by ClinVar (database versions not stated): gnomAD 0.00001.
gnomAD v4.1: 3 of 1,315,750 alleles (0.00023%); highest among the groups gnomAD compares: South Asian, 0.0017%; no homozygotes.

Submissions (3):

Mayo Clinic Laboratories, Mayo Clinic
Classification: Pathogenic. Last evaluated: 2024-12-03. Review status: criteria provided, single submitter. Criteria: ACMG Guidelines, 2015. Collection method: clinical testing. Allele origin: germline. Observed: 2 variant alleles.
Comment: PP3, PM2_supporting, PM3, PM5, PS3, PS4_moderate

Fulgent Genetics
Classification: Likely pathogenic for Upshaw-Schulman syndrome. Last evaluated: 2024-06-11. Review status: criteria provided, single submitter. Criteria: ACMG Guidelines, 2015. Collection method: clinical testing. Allele origin: germline.

Labcorp Genetics (formerly Invitae), Labcorp
Classification: Uncertain significance. Last evaluated: 2024-04-29. Review status: criteria provided, single submitter. Criteria: Invitae Variant Classification Sherloc (09022015). Collection method: clinical testing. Allele origin: germline.
Comment: This sequence change replaces aspartic acid, which is acidic and polar, with tyrosine, which is neutral and polar, at codon 235 of the ADAMTS13 protein (p.Asp235Tyr). The frequency data for this variant in the population databases is considered unreliable, as metrics indicate poor data quality at this position in the gnomAD database. This missense change has been observed in individuals with thrombotic thrombocytopenic purpura (PMID: 23346910, 26342041, 29554699). ClinVar contains an entry for this variant (Variation ID: 2136831). Advanced modeling of protein sequence and biophysical properties (such as structural, functional, and spatial information, amino acid conservation, physicochemical variation, residue mobility, and thermodynamic stability) performed at Invitae indicates that this missense variant is expected to disrupt ADAMTS13 protein function with a positive predictive value of 80%. Experimental studies have shown that this missense change affects ADAMTS13 function (PMID: 26342041, 29554699, 32365113). This variant disrupts the p.Asp235 amino acid residue in ADAMTS13. Other variant(s) that disrupt this residue have been observed in individuals with ADAMTS13-related conditions (PMID: 12753286), which suggests that this may be a clinically significant amino acid residue. In summary, the available evidence is currently insufficient to determine the role of this variant in disease. Therefore, it has been classified as a Variant of Uncertain Significance.

Literature cited by the submitters: PubMed 22529288 (cited by Mayo Clinic Laboratories, Mayo Clinic); PubMed 26342041 (cited by Mayo Clinic Laboratories, Mayo Clinic and Labcorp Genetics (formerly Invitae), Labcorp); PubMed 29554699 (cited by Mayo Clinic Laboratories, Mayo Clinic and Labcorp Genetics (formerly Invitae), Labcorp); PubMed 23346910 (cited by Labcorp Genetics (formerly Invitae), Labcorp); PubMed 32365113 (cited by Labcorp Genetics (formerly Invitae), Labcorp); PubMed 12753286 (cited by Labcorp Genetics (formerly Invitae), Labcorp).

NM_139027.6(ADAMTS13):c.703G>T (p.Asp235Tyr)

Gene: ADAMTS13 (ADAM metallopeptidase with thrombospondin type 1 motif 13; plus strand). Cytogenetic location: 9q34.2.
Variant type: single nucleotide variant.
Coding change: c.703G>T on transcript NM_139027.6 (MANE Select); coding-DNA position 703, G replaced by T.
Protein change: p.Asp235Tyr; replaces aspartic acid 235 with tyrosine.
Molecular consequence: missense variant.
Genome position (GRCh38, 1-based): chr9:133,428,650, G>T. VCF-style: chr9-133428650-G-T. GRCh37 (hg19) VCF-style: chr9-136293770-G-T.
Other names: p.Asp235Tyr; c.703G>T, p.Asp235Tyr (NM_139025.5, NM_139026.6); short protein forms D235Y.
Identifiers: ClinVar variation 2136831 (VCV002136831.6), dbSNP rs281875337, ClinGen allele CA375384817.